The following is an entry in ClinVar:

ClinVar aggregate classification (germline): Benign/Likely benign. Review status: criteria provided, multiple submitters, no conflicts (2 of 4 stars). 6 submissions from 6 submitters: Benign (1); Likely benign (5). Last evaluated 2025-11-15.

Allele frequency attached by ClinVar (database versions not stated): gnomAD exomes 0.00018; ExAC 0.00021; TOPMed 0.00028; gnomAD 0.00029; ESP Exome Variant Server 0.00046.
gnomAD v4.1: 521 of 1,614,186 alleles (0.032%); highest among the groups gnomAD compares: Non-Finnish European, 0.042%; no homozygotes.

Submissions (6):

Labcorp Genetics (formerly Invitae), Labcorp
Classification: Likely benign. Last evaluated: 2025-11-15. Review status: criteria provided, single submitter. Criteria: Invitae Variant Classification Sherloc (09022015). Collection method: clinical testing. Allele origin: germline.

CeGaT Center for Human Genetics Tuebingen
Classification: Likely benign. Last evaluated: 2025-10-01. Review status: criteria provided, single submitter. Criteria: CeGaT Center For Human Genetics Tuebingen Variant Classification Criteria Version 2. Collection method: clinical testing. Allele origin: germline. Affected: yes. Observed: 2 variant alleles.
Comment: COCH: BP4, BP7

Laboratory of Genetics, Children's Clinical University Hospital Latvia
Classification: Benign. Last evaluated: 2025-02-16. Review status: criteria provided, single submitter. Criteria: ACMG Guidelines, 2015. Collection method: clinical testing. Allele origin: germline. Affected: yes.

Blueprint Genetics
Classification: Likely benign. Last evaluated: 2024-09-13. Review status: criteria provided, single submitter. Criteria: ACMG Guidelines, 2015. Collection method: clinical testing. Allele origin: germline.

GeneDx
Classification: Likely benign. Last evaluated: 2021-02-26. Review status: criteria provided, single submitter. Criteria: GeneDx Variant Classification Process June 2021. Collection method: clinical testing. Allele origin: germline. Affected: yes.

Laboratory for Molecular Medicine, Mass General Brigham Personalized Medicine
Classification: Likely benign. Last evaluated: 2017-01-19. Review status: criteria provided, single submitter. Criteria: LMM Criteria. Collection method: clinical testing. Allele origin: germline. Observed: 1 variant allele.
Comment: p.Ser376Ser in Exon 11 of COCH: This variant is not expected to have clinical si gnificance because it does not alter an amino acid residue, is not located withi n the splice consensus sequence, and has been identified in 25/66732 of European chromosomes by the Exome Aggregation Consortium (ExAC; dbSNP rs146166304).

NM_004086.3(COCH):c.1128C>T (p.Ser376=)

Genes: COCH (cochlin; plus strand), COCH-AS1 (COCH antisense RNA 1; minus strand). Cytogenetic location: 14q12.
Variant type: single nucleotide variant.
Coding change: c.1128C>T on transcript NM_004086.3 (MANE Select); coding-DNA position 1128, C replaced by T.
Protein change: p.Ser376=; no amino-acid change (serine 376 retained).
Molecular consequence: synonymous variant. On other transcripts: non-coding transcript variant (1).
Genome position (GRCh38, 1-based): chr14:30,885,963, C>T. VCF-style: chr14-30885963-C-T. GRCh37 (hg19) VCF-style: chr14-31355169-C-T.
Other names: c.1128C>T, p.Ser376= (NM_001135058.2); c.1323C>T, p.Ser441= (NM_001347720.2).
Identifiers: ClinVar variation 504562 (VCV000504562.39), dbSNP rs146166304, ClinGen allele CA7143267.